The following is an entry in ClinVar:

NM_032634.4(PIGO):c.1667G>A (p.Arg556His)

Gene: PIGO (phosphatidylinositol glycan anchor biosynthesis class O; minus strand). Cytogenetic location: 9p13.3.
Variant type: single nucleotide variant.
Coding change: c.1667G>A on transcript NM_032634.4 (MANE Select); coding-DNA position 1667, G replaced by A.
Protein change: p.Arg556His; replaces arginine 556 with histidine.
Molecular consequence: missense variant. On other transcripts: intron variant (2).
Genome position (GRCh38, 1-based): chr9:35,092,220, C>T on the plus strand (G>A on the coding strand, the complement: PIGO is on the minus strand). VCF-style: chr9-35092220-C-T. GRCh37 (hg19) VCF-style: chr9-35092217-C-T.
Other names: c.1344+323G>A (NM_152850.4, NM_001201484.2); short protein forms R556H.
Identifiers: ClinVar variation 2152833 (VCV002152833.1), dbSNP rs200967782, ClinGen allele CA5040592.

ClinVar aggregate classification (germline): Uncertain significance (1 of 4 stars; one submission).

Conditions:
Hyperphosphatasia with impaired intellectual development syndrome 2. Also called: Hyperphosphatasia with intellectual disability syndrome 2; GLYCOSYLPHOSPHATIDYLINOSITOL BIOSYNTHESIS DEFECT 6. Identifiers: Orphanet 247262, MedGen C3553637, MONDO:0013882, OMIM 614749.

Allele frequency attached by ClinVar (database versions not stated): ExAC 0.00001; TOPMed 0.00002; gnomAD 0.00003.
gnomAD v4.1: 109 of 1,614,042 alleles (0.0068%); highest among the groups gnomAD compares: Non-Finnish European, 0.009%; no homozygotes.

Submission:

Labcorp Genetics (formerly Invitae), Labcorp
Classification: Uncertain significance for Hyperphosphatasia with impaired intellectual development syndrome 2. Last evaluated: 2022-05-21. Review status: criteria provided, single submitter. Criteria: Invitae Variant Classification Sherloc (09022015). Collection method: clinical testing. Allele origin: germline.
Comment: This sequence change replaces arginine, which is basic and polar, with histidine, which is basic and polar, at codon 556 of the PIGO protein (p.Arg556His). This variant is present in population databases (rs200967782, gnomAD 0.004%). This variant has not been reported in the literature in individuals affected with PIGO-related conditions. Algorithms developed to predict the effect of missense changes on protein structure and function are either unavailable or do not agree on the potential impact of this missense change (SIFT: "Tolerated"; PolyPhen-2: "Probably Damaging"; Align-GVGD: "Class C0"). In summary, the available evidence is currently insufficient to determine the role of this variant in disease. Therefore, it has been classified as a Variant of Uncertain Significance.